The following is an entry in ClinVar:

NM_020778.5(ALPK3):c.206C>T (p.Ala69Val)

Gene: ALPK3 (alpha kinase 3; plus strand). Cytogenetic location: 15q25.3.
Variant type: single nucleotide variant.
Coding change: c.206C>T on transcript NM_020778.5 (MANE Select); coding-DNA position 206, C replaced by T.
Protein change: p.Ala69Val; replaces alanine 69 with valine.
Molecular consequence: missense variant.
Genome position (GRCh38, 1-based): chr15:84,827,507, C>T. VCF-style: chr15-84827507-C-T. GRCh37 (hg19) VCF-style: chr15-85370738-C-T.
Other names: short protein forms A69V.
Identifiers: ClinVar variation 1466735 (VCV001466735.8), dbSNP rs966823226, ClinGen allele CA393370720.
Genomic context (GRCh38, chr15:84,827,507, plus strand): 5'-GGAAGGCCAGCTCTGAATAGCTCTTTGCCTCTCTTAGGAGCACCTTCTGCTCCATCATTG[C>T]TCAGCTCACAGAGGAGACCCAGCCGCTATTTGAGACCACGCTCAAGTCCCGGTCTGTGTC-3'
Protein context (NP_065829.4, residues 59-79): SGRSTFCSII[Ala69Val]QLTEETQPLF

ClinVar aggregate classification (germline): Uncertain significance. Review status: criteria provided, multiple submitters, no conflicts (2 of 4 stars). 2 submissions from 2 submitters: Uncertain significance (2). Last evaluated 2022-03-22.

Conditions:
Cardiovascular phenotype. Identifiers: MedGen CN230736.

gnomAD v4.1: 6 of 1,614,216 alleles (0.00037%); highest among the groups gnomAD compares: Non-Finnish European, 0.00051%; no homozygotes.

Submissions (2):

Labcorp Genetics (formerly Invitae), Labcorp
Classification: Uncertain significance. Last evaluated: 2022-03-22. Review status: criteria provided, single submitter. Criteria: Invitae Variant Classification Sherloc (09022015). Collection method: clinical testing. Allele origin: germline.
Comment: This variant has not been reported in the literature in individuals affected with ALPK3-related conditions. This variant is not present in population databases (gnomAD no frequency). This sequence change replaces alanine, which is neutral and non-polar, with valine, which is neutral and non-polar, at codon 271 of the ALPK3 protein (p.Ala271Val). Algorithms developed to predict the effect of missense changes on protein structure and function are either unavailable or do not agree on the potential impact of this missense change (SIFT: "Deleterious"; PolyPhen-2: "Probably Damaging"; Align-GVGD: "Class C0"). In summary, the available evidence is currently insufficient to determine the role of this variant in disease. Therefore, it has been classified as a Variant of Uncertain Significance.

Ambry Genetics
Classification: Uncertain significance for Cardiovascular phenotype. Last evaluated: 2019-11-15. Review status: criteria provided, single submitter. Criteria: Ambry Variant Classification Scheme 2023. Collection method: clinical testing. Allele origin: germline.
Comment: The p.A271V variant (also known as c.812C>T), located in coding exon 3 of the ALPK3 gene, results from a C to T substitution at nucleotide position 812. The alanine at codon 271 is replaced by valine, an amino acid with similar properties. This amino acid position is well conserved in available vertebrate species. In addition, this alteration is predicted to be tolerated by in silico analysis. Since supporting evidence is limited at this time, the clinical significance of this alteration remains unclear.